The following is an entry in ClinVar:

ClinVar aggregate classification (germline): Uncertain significance (1 of 4 stars; one submission).

Conditions:
Familial thoracic aortic aneurysm and aortic dissection (TAAD). Also called: Thoracic aortic aneurysms and dissections. Identifiers: Orphanet 91387, MedGen C4707243, MONDO:0019625.

Submission:

Ambry Genetics
Classification: Uncertain significance for Familial thoracic aortic aneurysm and aortic dissection. Last evaluated: 2017-08-01. Review status: criteria provided, single submitter. Criteria: Ambry Variant Classification Scheme 2023. Collection method: clinical testing. Allele origin: germline.
Comment: The p.R194P variant (also known as c.581G>C), located in coding exon 3 of the TGFB3 gene, results from a G to C substitution at nucleotide position 581. The arginine at codon 194 is replaced by proline, an amino acid with dissimilar properties. This amino acid position is not well conserved in available vertebrate species. In addition, this alteration is predicted to be tolerated by in silico analysis. Since supporting evidence is limited at this time, the clinical significance of this alteration remains unclear.

NM_003239.5(TGFB3):c.581G>C (p.Arg194Pro)

Gene: TGFB3 (transforming growth factor beta 3; minus strand). Cytogenetic location: 14q24.3.
Variant type: single nucleotide variant.
Coding change: c.581G>C on transcript NM_003239.5 (MANE Select); coding-DNA position 581, G replaced by C.
Protein change: p.Arg194Pro; replaces arginine 194 with proline.
Molecular consequence: missense variant.
Genome position (GRCh38, 1-based): chr14:75,971,191, C>G on the plus strand (G>C on the coding strand, the complement: TGFB3 is on the minus strand). VCF-style: chr14-75971191-C-G. GRCh37 (hg19) VCF-style: chr14-76437534-C-G.
Other names: c.581G>C, p.Arg194Pro (NM_001329938.2, NM_001329939.2); short protein forms R194P.
Identifiers: ClinVar variation 520215 (VCV000520215.5), dbSNP rs760707107, ClinGen allele CA390469519.